The following is an entry in ClinVar:

NM_000051.4(ATM):c.4451del (p.Met1484fs)

Gene: ATM (ATM serine/threonine kinase; plus strand). Cytogenetic location: 11q22.3.
Variant type: Deletion.
Coding change: c.4451del on transcript NM_000051.4 (MANE Select); coding-DNA position 4451, one base deleted (T; older notation c.4451delT).
Protein change: p.Met1484fs; shifts the reading frame from methionine 1484.
Molecular consequence: frameshift variant.
Genome position (GRCh38, 1-based): chr11:108,292,633, T deleted. VCF-style (leftmost placement, unchanged base first): chr11-108292632-AT-A. GRCh37 (hg19) VCF-style: chr11-108163359-AT-A.
Other names: c.4451delT (NM_000051.3); c.4451del, p.Met1484fs (NM_001351834.2); short protein forms M1484fs.
Identifiers: ClinVar variation 481323 (VCV000481323.32), dbSNP rs1555099760, ClinGen allele CA658656171.
Genomic context (GRCh38, chr11:108,292,632, plus strand): 5'-TTCCAGAACTTACTGGTTGTTGTTGTTTTTTTTTCTCCCTATATTAGGCCTTCTTGTATC[AT>A]GGATGTGTCATTACGTAGCTTCTCCCTTTGTTGTGACTTATTAAGTCAGGTTTGCCAGAC-3'

ClinVar aggregate classification (germline): Pathogenic. Review status: criteria provided, multiple submitters, no conflicts (2 of 4 stars). 7 submissions from 7 submitters: Pathogenic (5). 2 of the submissions do not count toward it. Last evaluated 2025-10-30.

Conditions:
Hereditary cancer-predisposing syndrome. Also called: Hereditary Cancer Syndrome; Tumor predisposition; Neoplastic Syndromes, Hereditary; Hereditary neoplastic syndrome. Identifiers: Orphanet 140162, MedGen C0027672, MeSH D009386, MONDO:0015356.
Familial cancer of breast. Also called: BREAST CANCER, FAMILIAL; Hereditary breast cancer; hereditary breast carcinoma. Identifiers: Orphanet 227535, MedGen C0346153, MONDO:0016419, OMIM 114480. Disease mechanism: loss of function.
ATM-related cancer predisposition. Also called: ATM-related cancer susceptibility. Identifiers: MedGen CN377759, MONDO:0700270.
Ataxia-telangiectasia syndrome (AT). Also called: LOUIS-BAR SYNDROME; Ataxia telangiectasia (A-T); Cerebello-oculocutaneous telangiectasia; Immunodeficiency with ataxia telangiectasia; Ataxia-telangiectasia, complementation group E; ATAXIA-TELANGIECTASIA, COMPLEMENTATION GROUP A. Identifiers: Orphanet 100, MedGen C0004135, MONDO:0008840, OMIM 208900.

Submissions (7):

Institute of Human Genetics, FAU Erlangen, Friedrich-Alexander-Universität Erlangen-Nürnberg
Classification: Pathogenic. Last evaluated: 2025-10-30. Review status: criteria provided, single submitter. Criteria: Hauer et al. (Genet Med. 2018). Collection method: clinical testing. Allele origin: germline. Inheritance: Unknown mechanism. Affected: yes. Observed: 1 variant allele.
Comment: This variant has been identified by standard clinical testing. Selected ACMG criteria: Pathogenic (I):PP5;PM2;PVS1

Labcorp Genetics (formerly Invitae), Labcorp
Classification: Pathogenic for Ataxia-telangiectasia syndrome. Last evaluated: 2024-12-17. Review status: criteria provided, single submitter. Criteria: Invitae Variant Classification Sherloc (09022015). Collection method: clinical testing. Allele origin: germline.
Comment: This sequence change creates a premature translational stop signal (p.Met1484Argfs*15) in the ATM gene. It is expected to result in an absent or disrupted protein product. Loss-of-function variants in ATM are known to be pathogenic (PMID: 23807571, 25614872). This variant is not present in population databases (gnomAD no frequency). This premature translational stop signal has been observed in individual(s) with breast cancer, pancreatic cancer (PMID: 25452441, 32325837). ClinVar contains an entry for this variant (Variation ID: 481323). For these reasons, this variant has been classified as Pathogenic.

Institute for Genomic Medicine (IGM) Clinical Laboratory, Nationwide Children's Hospital
Classification: Pathogenic for ATM-related cancer predisposition. Last evaluated: 2024-08-14. Review status: criteria provided, single submitter. Criteria: ACMG Guidelines, 2015. Collection method: clinical testing. Allele origin: germline.
Comment: This variant is predicted to result in loss of function through nonsense-mediated decay of the encoded transcript or premature truncation of the encoded protein in a gene in which loss of function is a known mechanism of disease (ACMG/AMP: PVS1). This variant has been reported at an elevated frequency in affected individuals/in multiple affected individuals in the literature (ACMG/AMP: PS4_Supporting; PMIDs:25452441, 32325837). This variant is absent from or present at an exceedingly low frequency in gnomAD, a large-scale control population database (ACMG/AMP: PM2).

Ambry Genetics
Classification: Pathogenic for Hereditary cancer-predisposing syndrome. Last evaluated: 2024-04-11. Review status: criteria provided, single submitter. Criteria: Ambry Variant Classification Scheme 2023. Collection method: clinical testing. Allele origin: germline.
Comment: The c.4451delT pathogenic mutation, located in coding exon 29 of the ATM gene, results from a deletion of one nucleotide at nucleotide position 4451, causing a translational frameshift with a predicted alternate stop codon (p.M1484Rfs*15). This mutation has been reported in multiple breast cancer patients (Couch FJ et al. J Clin Oncol, 2015 Feb;33:304-11; Yadav S et al. J Clin Oncol, 2020 May;38:1409-1418). This mutation has also been detected in 1/50 individuals with metastatic castration-resistant prostate cancer (Holeckova K et al. In Vivo;34:1773-1778). This mutation was identified in an Italian family with a history of Hodgkin lymphoma, multiple primary melanoma, basal cell carcinoma and pancreatic cancer who were CDKN2A/ARF and CDK4 negative and was not seen in 80 cancer-free control patients (Pastorino L et al. Cancers (Basel), 2020 04;12:). This variant is considered to be rare based on population cohorts in the Genome Aggregation Database (gnomAD). In addition to the clinical data presented in the literature, this alteration is expected to result in loss of function by premature protein truncation or nonsense-mediated mRNA decay. As such, this alteration is interpreted as a disease-causing mutation.

Myriad Genetics, Inc.
Classification: Pathogenic for Familial cancer of breast. Last evaluated: 2024-01-24. Review status: criteria provided, single submitter. Criteria: Myriad Autosomal Dominant, Autosomal Recessive and X-Linked Classification Criteria (2023). Collection method: clinical testing. Allele origin: unknown.
Comment: This variant is considered pathogenic. This variant creates a frameshift predicted to result in premature protein truncation.

BRCAlab, Lund University
Classification: Pathogenic for Familial cancer of breast. Last evaluated: 2022-08-26. Review status: no assertion criteria provided. Collection method: clinical testing. Allele origin: germline. Affected: yes. Not counted in ClinVar's aggregate classification.

Counsyl
Classification: Likely pathogenic for Ataxia-telangiectasia syndrome. Last evaluated: 2017-12-28. Review status: no assertion criteria provided. Collection method: clinical testing. Allele origin: unknown. Not counted in ClinVar's aggregate classification.

Literature cited by the submitters: PubMed 23807571 (cited by Labcorp Genetics (formerly Invitae), Labcorp); PubMed 25614872 (cited by Labcorp Genetics (formerly Invitae), Labcorp); PubMed 25452441 (cited by 3 submitters); PubMed 32325837 (cited by 3 submitters); PubMed 32125938 (cited by Ambry Genetics); PubMed 32606146 (cited by Ambry Genetics).